The following is an entry in ClinVar:

NM_001281775.3(ZMYND8):c.1126A>G (p.Lys376Glu)

Gene: ZMYND8 (zinc finger MYND-type containing 8; minus strand). Cytogenetic location: 20q13.12.
Variant type: single nucleotide variant.
Coding change: c.1126A>G on transcript NM_001281775.3 (MANE Select); coding-DNA position 1126, A replaced by G.
Protein change: p.Lys376Glu; replaces lysine 376 with glutamic acid.
Molecular consequence: missense variant.
Genome position (GRCh38, 1-based): chr20:47,276,668, T>C on the plus strand (A>G on the coding strand, the complement: ZMYND8 is on the minus strand). VCF-style: chr20-47276668-T-C. GRCh37 (hg19) VCF-style: chr20-45905412-T-C.
Other names: c.1051A>G, p.Lys351Glu (NM_001281771.3, NM_001281777.3, NM_001281778.3 and 4 more transcripts); c.1066A>G, p.Lys356Glu (NM_001281772.3, NM_001281773.3, NM_001281774.3 and 1 more transcripts); c.1126A>G, p.Lys376Glu (NM_001281776.3, NM_001281783.3, NM_012408.6 and 1 more transcripts); c.322A>G, p.Lys108Glu (NM_001281779.3, NM_001281780.3); c.1147A>G, p.Lys383Glu (NM_001363714.1); short protein forms K108E, K351E, K356E, K376E, K383E.
Identifiers: ClinVar variation 3765578 (VCV003765578.1).

ClinVar aggregate classification (germline): Uncertain significance (1 of 4 stars; one submission).

Submission:

Greenwood Genetic Center Diagnostic Laboratories, Greenwood Genetic Center
Classification: Uncertain significance. Last evaluated: 2024-08-12. Review status: criteria provided, single submitter. Criteria: ACMG Guidelines, 2015. Collection method: clinical testing. Allele origin: germline. Affected: yes.
Comment: PM2, PP2